The following is an entry in ClinVar:

NM_001754.5(RUNX1):c.417C>G (p.Asn139Lys)

Genes: RUNX1 (RUNX family transcription factor 1; minus strand), RUNX1-AS1 (RUNX1 antisense RNA 1; plus strand). Cytogenetic location: 21q22.12.
Variant type: single nucleotide variant.
Coding change: c.417C>G on transcript NM_001754.5 (MANE Select); coding-DNA position 417, C replaced by G.
Protein change: p.Asn139Lys; replaces asparagine 139 with lysine.
Molecular consequence: missense variant.
Genome position (GRCh38, 1-based): chr21:34,880,648, G>C on the plus strand (C>G on the coding strand, the complement: RUNX1 is on the minus strand). VCF-style: chr21-34880648-G-C. GRCh37 (hg19) VCF-style: chr21-36252945-G-C.
Other names: c.336C>G, p.Asn112Lys (NM_001001890.3, NM_001122607.2); short protein forms N112K, N139K.
Identifiers: ClinVar variation 4863635 (VCV004863635.1).

ClinVar aggregate classification (germline): Uncertain significance (1 of 4 stars; one submission).

Conditions:
Inborn genetic diseases. Identifiers: MedGen C0950123, MeSH D030342.

Submission:

Ambry Genetics
Classification: Uncertain significance for Inborn genetic diseases. Last evaluated: 2026-03-18. Review status: criteria provided, single submitter. Criteria: Ambry Variant Classification Scheme 2023. Collection method: clinical testing. Allele origin: germline.
Comment: The p.N139K variant (also known as c.417C>G), located in coding exon 4 of the RUNX1 gene, results from a C to G substitution at nucleotide position 417. The asparagine at codon 139 is replaced by lysine, an amino acid with similar properties. This amino acid position is highly conserved in available vertebrate species. In addition, the in silico prediction for this alteration is inconclusive. Based on the available evidence, the clinical significance of this variant remains unclear.